The following is an entry in ClinVar:

ClinVar aggregate classification (germline): Uncertain significance. Review status: criteria provided, multiple submitters, no conflicts (2 of 4 stars). 3 submissions from 3 submitters: Uncertain significance (3). Last evaluated 2026-01-29.

Conditions:
Hereditary cancer-predisposing syndrome. Also called: Tumor predisposition; Hereditary Cancer Syndrome; Hereditary neoplastic syndrome; Neoplastic Syndromes, Hereditary. Identifiers: Orphanet 140162, MedGen C0027672, MeSH D009386, MONDO:0015356.
Oligodontia-cancer predisposition syndrome. Also called: TOOTH AGENESIS-COLORECTAL CANCER SYNDROME. Identifiers: Orphanet 300576, MedGen C1837750, MONDO:0012075, OMIM 608615. Disease mechanism: loss of function.
Colorectal cancer. Also called: Colorectal cancer, somatic; Malignant Colorectal Neoplasm. Identifiers: MedGen C0346629, MONDO:0005575, OMIM 114500.

Allele frequency attached by ClinVar (database versions not stated): TOPMed below 0.00001; gnomAD 0.00001.
gnomAD v4.1: 1 of 1,601,160 alleles (0.000062%); highest among the groups gnomAD compares: African/African-American, 0.0013%; no homozygotes.

Submissions (3):

Ambry Genetics
Classification: Uncertain significance for Hereditary cancer-predisposing syndrome. Last evaluated: 2026-01-29. Review status: criteria provided, single submitter. Criteria: Ambry Variant Classification Scheme 2023. Collection method: clinical testing. Allele origin: germline.
Comment: The p.R56G variant (also known as c.166A>G), located in coding exon 1 of the AXIN2 gene, results from an A to G substitution at nucleotide position 166. The arginine at codon 56 is replaced by glycine, an amino acid with dissimilar properties. This amino acid position is highly conserved in available vertebrate species. In addition, the in silico prediction for this alteration is inconclusive. Based on the available evidence, the clinical significance of this variant remains unclear.

Labcorp Genetics (formerly Invitae), Labcorp
Classification: Uncertain significance for Oligodontia-cancer predisposition syndrome. Last evaluated: 2024-06-18. Review status: criteria provided, single submitter. Criteria: Invitae Variant Classification Sherloc (09022015). Collection method: clinical testing. Allele origin: germline.
Comment: This sequence change replaces arginine, which is basic and polar, with glycine, which is neutral and non-polar, at codon 56 of the AXIN2 protein (p.Arg56Gly). This variant is not present in population databases (gnomAD no frequency). This variant has not been reported in the literature in individuals affected with AXIN2-related conditions. Advanced modeling of protein sequence and biophysical properties (such as structural, functional, and spatial information, amino acid conservation, physicochemical variation, residue mobility, and thermodynamic stability) has been performed at Invitae for this missense variant, however the output from this modeling did not meet the statistical confidence thresholds required to predict the impact of this variant on AXIN2 protein function. In summary, the available evidence is currently insufficient to determine the role of this variant in disease. Therefore, it has been classified as a Variant of Uncertain Significance.

Baylor Genetics
Classification: Uncertain significance for Colorectal cancer. Last evaluated: 2023-08-31. Review status: criteria provided, single submitter. Criteria: ACMG Guidelines, 2015. Collection method: clinical testing. Allele origin: unknown.

NM_004655.4(AXIN2):c.166A>G (p.Arg56Gly)

Gene: AXIN2 (axin 2; minus strand). Cytogenetic location: 17q24.1.
Variant type: single nucleotide variant.
Coding change: c.166A>G on transcript NM_004655.4 (MANE Select); coding-DNA position 166, A replaced by G.
Protein change: p.Arg56Gly; replaces arginine 56 with glycine.
Molecular consequence: missense variant.
Genome position (GRCh38, 1-based): chr17:65,558,455, T>C on the plus strand (A>G on the coding strand, the complement: AXIN2 is on the minus strand). VCF-style: chr17-65558455-T-C. GRCh37 (hg19) VCF-style: chr17-63554573-T-C.
Other names: c.166A>G, p.Arg56Gly (NM_001363813.1); short protein forms R56G.
Identifiers: ClinVar variation 2679872 (VCV002679872.5), dbSNP rs1431601772, ClinGen allele CA400681982.